The following is an entry in ClinVar:

NM_032119.4(ADGRV1):c.3416+9A>G

Gene: ADGRV1 (adhesion G protein-coupled receptor V1; plus strand). Cytogenetic location: 5q14.3.
Variant type: single nucleotide variant.
Coding change: c.3416+9A>G on transcript NM_032119.4 (MANE Select); 9 bases into the intron after coding-DNA position 3416, A replaced by G.
Molecular consequence: intron variant.
Genome position (GRCh38, 1-based): chr5:90,651,739, A>G. VCF-style: chr5-90651739-A-G. GRCh37 (hg19) VCF-style: chr5-89947556-A-G.
Identifiers: ClinVar variation 905638 (VCV000905638.8), dbSNP rs1228297663, ClinGen allele CA560900507.
Genomic context (GRCh38, chr5:90,651,739, plus strand): 5'-CTCTGGAGCCCATAGACAAAGCAGTGGAAGAAGGAAAGACTAATGCATTTTGGTAAGCAT[A>G]TGTAGATAAGGCAAGTTTAAAATTGGGTGAAATAAAACCATTAAGTATGTGAAATTCTGA-3'

ClinVar aggregate classification (germline): Conflicting classifications of pathogenicity. Review status: criteria provided, conflicting classifications (1 of 4 stars). 3 submissions from 3 submitters: Uncertain significance (1); Likely benign (2). Last evaluated 2026-05-25.

Conditions:
Usher syndrome type 2C. Also called: USHER SYNDROME, TYPE IIC; Usher syndrome, type 2B. Identifiers: Orphanet 231178, Orphanet 886, MedGen C2931213, MONDO:0011558, OMIM 605472.
ADGRV1-related disorder. Also called: ADGRV1-related disorders; ADGRV1-related condition.

Allele frequency attached by ClinVar (database versions not stated): gnomAD exomes below 0.00001.
gnomAD v4.1: 3 of 1,576,038 alleles (0.00019%); highest among the groups gnomAD compares: South Asian, 0.0022%; no homozygotes.

Submissions (3):

PreventionGenetics, part of Exact Sciences
Classification: Likely benign for ADGRV1-related condition. Last evaluated: 2026-05-25. Review status: criteria provided, single submitter. Criteria: ACMG Guidelines, 2015. Collection method: clinical testing. Allele origin: germline.
Comment: This variant is classified as likely benign based on ACMG/AMP sequence variant interpretation guidelines (Richards et al. 2015 PMID: 25741868, with internal and published modifications).

Labcorp Genetics (formerly Invitae), Labcorp
Classification: Likely benign. Last evaluated: 2023-09-03. Review status: criteria provided, single submitter. Criteria: Invitae Variant Classification Sherloc (09022015). Collection method: clinical testing. Allele origin: germline.

Illumina Laboratory Services, Illumina
Classification: Uncertain significance for Usher syndrome type 2C. Last evaluated: 2018-01-13. Review status: criteria provided, single submitter. Criteria: ICSL Variant Classification Criteria 13 December 2019. Collection method: clinical testing. Allele origin: germline.